The following is an entry in ClinVar:

ClinVar aggregate classification (germline): Uncertain significance (1 of 4 stars; one submission).

Conditions:
Hereditary cancer-predisposing syndrome. Also called: Neoplastic Syndromes, Hereditary; Tumor predisposition; Hereditary Cancer Syndrome; Hereditary neoplastic syndrome. Identifiers: Orphanet 140162, MedGen C0027672, MeSH D009386, MONDO:0015356.

Submission:

Ambry Genetics
Classification: Uncertain significance for Hereditary cancer-predisposing syndrome. Last evaluated: 2022-09-21. Review status: criteria provided, single submitter. Criteria: Ambry Variant Classification Scheme 2023. Collection method: clinical testing. Allele origin: germline.
Comment: The p.V578M variant (also known as c.1732G>A), located in coding exon 11 of the NBN gene, results from a G to A substitution at nucleotide position 1732. The valine at codon 578 is replaced by methionine, an amino acid with highly similar properties. This amino acid position is conserved. In addition, this alteration is predicted to be tolerated by in silico analysis. Since supporting evidence is limited at this time, the clinical significance of this alteration remains unclear.

NM_002485.5(NBN):c.1732G>A (p.Val578Met)

Gene: NBN (nibrin; minus strand). Cytogenetic location: 8q21.3.
Variant type: single nucleotide variant.
Coding change: c.1732G>A on transcript NM_002485.5 (MANE Select); coding-DNA position 1732, G replaced by A.
Protein change: p.Val578Met; replaces valine 578 with methionine.
Molecular consequence: missense variant.
Genome position (GRCh38, 1-based): chr8:89,953,357, C>T on the plus strand (G>A on the coding strand, the complement: NBN is on the minus strand). VCF-style: chr8-89953357-C-T. GRCh37 (hg19) VCF-style: chr8-90965585-C-T.
Other names: c.1486G>A, p.Val496Met (NM_001024688.3); short protein forms V578M, V496M.
Identifiers: ClinVar variation 1779014 (VCV001779014.2), dbSNP rs1554558284, ClinGen allele CA371655218.
Genomic context (GRCh38, chr8:89,953,357, plus strand): 5'-CTATATCCATCCTTGGCCTTTTTCTAACATTGACATCTTCCTCCTGTTTTTGAACTTTCA[C>T]ATCAATTTCTAACTCTGGTTTTGTGTCCTTGAATAACTGTTCCAATACTTCATCTTCTAT-3'
Protein context (NP_002476.2, residues 568-588): KDTKPELEID[Val578Met]KVQKQEEDVN